The following is an entry in ClinVar:

ClinVar aggregate classification (germline): Pathogenic (1 of 4 stars; one submission).

Conditions:
Breast-ovarian cancer, familial, susceptibility to, 2 (BROVCA2). Also called: BRCA2 Hereditary Breast and Ovarian Cancer. Identifiers: Orphanet 145, MedGen C2675520, MONDO:0012933, OMIM 612555. Disease mechanism: loss of function.

Submission:

Myriad Genetics, Inc.
Classification: Pathogenic for Breast-ovarian cancer, familial, susceptibility to, 2. Last evaluated: 2023-01-10. Review status: criteria provided, single submitter. Criteria: Myriad Autosomal Dominant, Autosomal Recessive and X-Linked Classification Criteria (2023). Collection method: clinical testing. Allele origin: unknown.
Comment: This variant is considered pathogenic. This variant creates a frameshift predicted to result in premature protein truncation.

NM_000059.4(BRCA2):c.7729_7732del (p.Lys2577fs)

Gene: BRCA2 (BRCA2 DNA repair associated; plus strand). Cytogenetic location: 13q13.1.
Variant type: Deletion.
Coding change: c.7729_7732del on transcript NM_000059.4 (MANE Select); coding-DNA positions 7729 to 7732, 4 bases deleted (AAAG; older notation c.7729_7732delAAAG).
Protein change: p.Lys2577fs; shifts the reading frame from lysine 2577.
Molecular consequence: frameshift variant.
Genome position (GRCh38, 1-based): chr13:32,357,853-32,357,856, AAAG deleted. VCF-style (leftmost placement, unchanged base first): chr13-32357852-AAAAG-A. GRCh37 (hg19) VCF-style: chr13-32931989-AAAAG-A.
Other names: c.7633_7636delAAAG, p.Lys2545Glufs (NM_001406719.1); c.7729_7732delAAAG, p.Lys2577Glufs (NM_001406720.1); c.2797_2800delAAAG, p.Lys933Glufs (NM_001406721.1); c.1312_1315delAAAG, p.Lys438Glufs (NM_001406722.1); short protein forms K2577fs.
Identifiers: ClinVar variation 2431279 (VCV002431279.1), dbSNP rs2548542639, ClinGen allele CA2580087354.
Genomic context (GRCh38, chr13:32,357,852, plus strand): 5'-TGCAGAGTCTTTTCAGTTTCACACTGAAGATTATTTTGGTAAGGAAAGTTTATGGACTGG[AAAAG>A]GAATACAGTTGGCTGATGGTGGATGGCTCATACCCTCCAATGATGGAAAGGCTGGAAAAG-3'